The following is an entry in ClinVar:

ClinVar aggregate classification (germline): Pathogenic (1 of 4 stars; one submission).

Conditions:
Telangiectasia, hereditary hemorrhagic, type 2 (HHT2). Also called: Telangiectasia, hereditary hemorrhagic, type II; ACVRL1-Related Hereditary Hemorrhagic Telangiectasia. Identifiers: Orphanet 774, MedGen C1838163, MONDO:0010880, OMIM 600376. Disease mechanism: loss of function.

Submission:

Labcorp Genetics (formerly Invitae), Labcorp
Classification: Pathogenic for Telangiectasia, hereditary hemorrhagic, type 2. Last evaluated: 2024-10-26. Review status: criteria provided, single submitter. Criteria: Invitae Variant Classification Sherloc (09022015). Collection method: clinical testing. Allele origin: germline.
Comment: This sequence change creates a premature translational stop signal (p.Leu289Serfs*103) in the ACVRL1 gene. It is expected to result in an absent or disrupted protein product. Loss-of-function variants in ACVRL1 are known to be pathogenic (PMID: 15879500). This variant is not present in population databases (gnomAD no frequency). This premature translational stop signal has been observed in individual(s) with hereditary hemorrhagic telangiectasia (PMID: 9245985). This variant is also known as Ins T (865). ClinVar contains an entry for this variant (Variation ID: 2137370). For these reasons, this variant has been classified as Pathogenic.

Literature cited by the submitters: PubMed 15879500; PubMed 9245985.

NM_000020.3(ACVRL1):c.864dup (p.Leu289fs)

Gene: ACVRL1 (activin A receptor like type 1; plus strand). Cytogenetic location: 12q13.13.
Variant type: Duplication.
Coding change: c.864dup on transcript NM_000020.3 (MANE Select); coding-DNA position 864, one base duplicated (T; older notation c.864dupT).
Protein change: p.Leu289fs; shifts the reading frame from leucine 289.
Molecular consequence: frameshift variant.
Genome position (GRCh38, 1-based): chr12:51,915,316, T duplicated; the last of 3 consecutive T bases (chr12:51,915,314-51,915,316); duplicating any one gives the same sequence. VCF-style (leftmost placement, unchanged base first): chr12-51915313-C-CT. GRCh37 (hg19) VCF-style: chr12-52309097-C-CT.
Other names: c.864dup, p.Leu289fs (NM_001077401.2); c.864dup, p.Leu289Serfs (NM_001406487.1, NM_001406488.1, NM_001406489.1); c.552dup, p.Leu185Serfs (NM_001406490.1, NM_001406491.1, NM_001406492.1 and 2 more transcripts); c.300dup, p.Leu101Serfs (NM_001406495.1); short protein forms L289fs.
Identifiers: ClinVar variation 2137370 (VCV002137370.4), dbSNP rs2540164313, ClinGen allele CA913184985.